The following is an entry in ClinVar:

ClinVar aggregate classification (germline): Pathogenic/Likely pathogenic. Review status: criteria provided, multiple submitters, no conflicts (2 of 4 stars). 2 submissions from 2 submitters: Pathogenic (1); Likely pathogenic (1). Last evaluated 2024-12-09.

Conditions:
Hereditary acrodermatitis enteropathica (AEZ). Also called: Acrodermatitis enteropathica. Identifiers: Orphanet 37, MedGen C0221036, MONDO:0008713, OMIM 201100.

Submissions (2):

Natera, Inc.
Classification: Likely pathogenic for Acrodermatitis enteropathica. Last evaluated: 2024-12-09. Review status: criteria provided, single submitter. Criteria: Natera Variant Classification Schema (03/2026). Collection method: clinical testing. Allele origin: germline.
Comment: The c.1174_1195del variant in SLC39A4 is a frameshift variant predicted to shift the reading frame beginning at codon 392 and leads to a stop codon 84 codons downstream. This variant is expected to result in nonsense mediated decay, truncation, or a dysfunctional protein product. This variant is rare in the general population with a frequency below the threshold expected for the associated phenotype(s). Given the available evidence, this variant is classified as Likely Pathogenic.

Labcorp Genetics (formerly Invitae), Labcorp
Classification: Pathogenic. Last evaluated: 2023-08-28. Review status: criteria provided, single submitter. Criteria: Invitae Variant Classification Sherloc (09022015). Collection method: clinical testing. Allele origin: germline.
Comment: This sequence change creates a premature translational stop signal (p.Glu392Profs*84) in the SLC39A4 gene. It is expected to result in an absent or disrupted protein product. Loss-of-function variants in SLC39A4 are known to be pathogenic (PMID: 12955721). This variant is present in population databases (no rsID available, gnomAD 0.007%). This variant has not been reported in the literature in individuals affected with SLC39A4-related conditions. ClinVar contains an entry for this variant (Variation ID: 1452525). For these reasons, this variant has been classified as Pathogenic.

Literature cited by the submitters: PubMed 12955721 (cited by Labcorp Genetics (formerly Invitae), Labcorp).

NM_130849.4(SLC39A4):c.1174_1195del (p.Glu392fs)

Gene: SLC39A4 (solute carrier family 39 member 4; minus strand). Cytogenetic location: 8q24.3.
Variant type: Deletion.
Coding change: c.1174_1195del on transcript NM_130849.4 (MANE Select); coding-DNA positions 1174 to 1195, 22 bases deleted (GAAGAGGGCCTCAGCCCACAGC).
Protein change: p.Glu392fs; shifts the reading frame from glutamic acid 392.
Molecular consequence: frameshift variant.
Genome position (GRCh38, 1-based): chr8:144,414,050-144,414,071, GCTGTGGGCTGAGGCCCTCTTC deleted on the plus strand (GAAGAGGGCCTCAGCCCACAGC on the coding strand, the reverse complement: SLC39A4 is on the minus strand); deleting any 22 consecutive bases within chr8:144,414,050-144,414,077 gives the same sequence; the c. name uses the placement nearest the transcript's 3' end. VCF-style (leftmost placement, unchanged base first): chr8-144414049-GGCTGTGGGCTGAGGCCCTCTTC-G. GRCh37 (hg19) VCF-style: chr8-145639433-GGCTGTGGGCTGAGGCCCTCTTC-G.
Other names: c.1174_1195del (NM_130849.3); c.892_913del, p.Glu298fs (NM_001374839.1); c.1099_1120del, p.Glu367fs (NM_017767.3); short protein forms E298fs, E367fs, E392fs.
Identifiers: ClinVar variation 1452525 (VCV001452525.7), dbSNP rs1241071909, ClinGen allele CA586163391.